The following is an entry in ClinVar:

NM_198578.4(LRRK2):c.856C>G (p.Leu286Val)

Gene: LRRK2 (leucine rich repeat kinase 2; plus strand). Cytogenetic location: 12q12.
Variant type: single nucleotide variant.
Coding change: c.856C>G on transcript NM_198578.4 (MANE Select); coding-DNA position 856, C replaced by G.
Protein change: p.Leu286Val; replaces leucine 286 with valine.
Molecular consequence: missense variant.
Genome position (GRCh38, 1-based): chr12:40,249,843, C>G. VCF-style: chr12-40249843-C-G. GRCh37 (hg19) VCF-style: chr12-40643645-C-G.
Other names: short protein forms L286V.
Identifiers: ClinVar variation 236286 (VCV000236286.7), dbSNP rs200437744, ClinGen allele CA6513225.

ClinVar aggregate classification (germline): Conflicting classifications of pathogenicity. Review status: criteria provided, conflicting classifications (1 of 4 stars). 3 submissions from 3 submitters: Uncertain significance (1); Likely benign (1). 1 of the submissions does not count toward it. Last evaluated 2025-12-26.

Conditions:
Autosomal dominant Parkinson disease 8. Also called: LRRK2-Related Parkinson Disease; Parkinson disease 8; Parkinson disease 8, susceptibility to. Identifiers: Orphanet 411602, MedGen C1846862, MONDO:0011764, OMIM 607060.

Allele frequency attached by ClinVar (database versions not stated): ExAC 0.00011; gnomAD exomes 0.00015 and 0.00025; gnomAD 0.00021 and 0.00023; TOPMed 0.00022.
gnomAD v4.1: 391 of 1,613,450 alleles (0.024%); highest among the groups gnomAD compares: Admixed American, 0.045%; 1 homozygote.

Submissions (3):

Labcorp Genetics (formerly Invitae), Labcorp
Classification: Uncertain significance for Autosomal dominant Parkinson disease 8. Last evaluated: 2025-12-26. Review status: criteria provided, single submitter. Criteria: Invitae Variant Classification Sherloc (09022015). Collection method: clinical testing. Allele origin: germline.
Comment: This sequence change replaces leucine, which is neutral and non-polar, with valine, which is neutral and non-polar, at codon 286 of the LRRK2 protein (p.Leu286Val). This variant is present in population databases (rs200437744, gnomAD 0.05%), and has an allele count higher than expected for a pathogenic variant. This missense change has been observed in individual(s) with clinical features of Parkinson disease (PMID: 24082139, 26213354, 39051491). ClinVar contains an entry for this variant (Variation ID: 236286). Invitae Evidence Modeling of protein sequence and biophysical properties (such as structural, functional, and spatial information, amino acid conservation, physicochemical variation, residue mobility, and thermodynamic stability) has been performed for this missense variant. However, the output from this modeling did not meet the statistical confidence thresholds required to predict the impact of this variant on LRRK2 protein function. In summary, the available evidence is currently insufficient to determine the role of this variant in disease. Therefore, it has been classified as a Variant of Uncertain Significance.

Athena Diagnostics
Classification: Likely benign. Last evaluated: 2020-11-12. Review status: criteria provided, single submitter. Criteria: Athena Diagnostics criteria. Collection method: clinical testing. Allele origin: unknown.

GeneReviews
Classification: Uncertain significance for Autosomal dominant Parkinson disease 8. Last evaluated: 2014-12-11. Review status: no assertion criteria provided. Collection method: literature only. Allele origin: germline. Affected: yes. Not counted in ClinVar's aggregate classification.

Literature cited by the submitters: PubMed 24082139 (cited by Labcorp Genetics (formerly Invitae), Labcorp and Athena Diagnostics); PubMed 26213354 (cited by Labcorp Genetics (formerly Invitae), Labcorp and Athena Diagnostics); PubMed 39051491 (cited by Labcorp Genetics (formerly Invitae), Labcorp); PubMed 29576439 (cited by Athena Diagnostics).